The following is an entry in ClinVar:

ClinVar aggregate classification (germline): Pathogenic. Review status: reviewed by expert panel (3 of 4 stars). 2 submissions from 2 submitters: Pathogenic (1). 1 of the submissions does not count toward it. Last evaluated 2016-10-18.

Conditions:
Breast-ovarian cancer, familial, susceptibility to, 1 (BROVCA1). Also called: BRCA1 Hereditary Breast and Ovarian Cancer; OVARIAN CANCER, SUSCEPTIBILITY TO. Identifiers: Orphanet 145, MedGen C2676676, MONDO:0011450, OMIM 604370. Disease mechanism: loss of function.

Submissions (2):

Evidence-based Network for the Interpretation of Germline Mutant Alleles (ENIGMA)
Classification: Pathogenic for Breast-ovarian cancer, familial, susceptibility to, 1. Last evaluated: 2016-10-18. Review status: reviewed by expert panel. Criteria: ENIGMA BRCA1/2 Classification Criteria (2015). Collection method: curation. Allele origin: germline.
Comment: Variant allele predicted to encode a truncated non-functional protein.

Consortium of Investigators of Modifiers of BRCA1/2 (CIMBA), c/o University of Cambridge
Classification: Pathogenic for Breast-ovarian cancer, familial, susceptibility to, 1. Last evaluated: 2015-10-02. Review status: criteria provided, single submitter. Criteria: CIMBA Mutation Classification guidelines May 2016. Collection method: clinical testing. Allele origin: germline. Not counted in ClinVar's aggregate classification.

NM_007294.4(BRCA1):c.1104del (p.Asp369fs)

Gene: BRCA1 (BRCA1 DNA repair associated; minus strand). Cytogenetic location: 17q21.31.
Variant type: Deletion.
Coding change: c.1104del on transcript NM_007294.4 (MANE Select); coding-DNA position 1104, one base deleted (A; older notation c.1104delA).
Protein change: p.Asp369fs; shifts the reading frame from aspartic acid 369.
Molecular consequence: frameshift variant. On other transcripts: intron variant (137).
Genome position (GRCh38, 1-based): chr17:43,094,427, T deleted on the plus strand (A on the coding strand, the reverse complement: BRCA1 is on the minus strand); the first of 2 consecutive T bases (chr17:43,094,427-43,094,428); deleting either gives the same sequence. VCF-style (leftmost placement, unchanged base first): chr17-43094426-CT-C. GRCh37 (hg19) VCF-style: chr17-41246443-CT-C.
Other names: 1223 delA; c.891del, p.Asp298fs (NM_001407571.1, NM_001407853.1, NM_001407894.1 and 9 more transcripts); c.1104del, p.Asp369fs (NM_001407581.1, NM_001407582.1, NM_001407583.1 and 30 more transcripts); c.1101del, p.Asp368fs (NM_001407587.1, NM_001407590.1, NM_001407611.1 and 22 more transcripts); c.1095del, p.Asp366fs (NM_001407646.1, NM_001407647.1); c.981del, p.Asp328fs (NM_001407648.1, NM_001407664.1, NM_001407665.1 and 19 more transcripts); c.978del, p.Asp327fs (NM_001407649.1, NM_001407670.1, NM_001407671.1 and 11 more transcripts); c.1026del, p.Asp343fs (NM_001407653.1, NM_001407654.1, NM_001407655.1 and 4 more transcripts); and 42 more; short protein forms D322fs, D369fs, D343fs, D73fs, D201fs, D242fs, D257fs, D281fs.
Identifiers: ClinVar variation 266137 (VCV000266137.6), dbSNP rs886039927, ClinGen allele CA10589967.